The following is an entry in ClinVar:

NM_001364905.1(LRBA):c.6192C>T (p.Ala2064=)

Gene: LRBA (LPS responsive beige-like anchor protein; minus strand). Cytogenetic location: 4q31.3.
Variant type: single nucleotide variant.
Coding change: c.6192C>T on transcript NM_001364905.1 (MANE Select); coding-DNA position 6192, C replaced by T.
Protein change: p.Ala2064=; no amino-acid change (alanine 2064 retained).
Molecular consequence: synonymous variant.
Genome position (GRCh38, 1-based): chr4:150,590,714, G>A on the plus strand (C>T on the coding strand, the complement: LRBA is on the minus strand). VCF-style: chr4-150590714-G-A. GRCh37 (hg19) VCF-style: chr4-151511866-G-A.
Other names: c.6192C>T, p.Ala2064= (NM_001199282.3, NM_001367550.1); c.6225C>T, p.Ala2075= (NM_006726.5).
Identifiers: ClinVar variation 639957 (VCV000639957.11), dbSNP rs201176491, ClinGen allele CA3102193.
Genomic context (GRCh38, chr4:150,590,714, plus strand): 5'-TAATTATATGCTTATTGTCCCAGAGGTAGCTGAAATATCTGCACAACCACCAAATTTACC[G>A]GCAAGATTCTCTAAATCTTTCTCATCCACGGATGACAGAGTATCATCATCGCCTTCCAGG-3'
Protein context (NP_001351834.1, residues 2054-2074): SVDEKDLENL[Ala2064=]GPVSLSTPAQ

ClinVar aggregate classification (germline): Uncertain significance. Review status: criteria provided, multiple submitters, no conflicts (2 of 4 stars). 3 submissions from 3 submitters: Uncertain significance (2). 1 of the submissions does not count toward it. Last evaluated 2024-04-12.

Conditions:
LRBA-related disorder. Also called: LRBA-related condition.
Combined immunodeficiency due to LRBA deficiency. Also called: Common variable immunodeficiency 8, with autoimmunity. Identifiers: Orphanet 445018, MedGen C3553512, MONDO:0013863, OMIM 614700.

Allele frequency attached by ClinVar (database versions not stated): gnomAD exomes 0.00005 and 0.00006; TOPMed 0.00007; ExAC 0.00008; gnomAD 0.00009; ESP Exome Variant Server 0.00031; 1000 Genomes Project 0.00040; 1000 Genomes Project 30x 0.00047.
gnomAD v4.1: 97 of 1,612,648 alleles (0.006%); highest among the groups gnomAD compares: Middle Eastern, 0.12%; no homozygotes.

Submissions (3):

Fulgent Genetics
Classification: Uncertain significance for Combined immunodeficiency due to LRBA deficiency. Last evaluated: 2024-04-12. Review status: criteria provided, single submitter. Criteria: ACMG Guidelines, 2015. Collection method: clinical testing. Allele origin: germline.

Labcorp Genetics (formerly Invitae), Labcorp
Classification: Uncertain significance for Combined immunodeficiency due to LRBA deficiency. Last evaluated: 2022-06-14. Review status: criteria provided, single submitter. Criteria: Invitae Variant Classification Sherloc (09022015). Collection method: clinical testing. Allele origin: germline.
Comment: This sequence change affects codon 2075 of the LRBA mRNA. It is a 'silent' change, meaning that it does not change the encoded amino acid sequence of the LRBA protein. It affects a nucleotide within the consensus splice site. This variant is present in population databases (rs201176491, gnomAD 0.05%). This variant has not been reported in the literature in individuals affected with LRBA-related conditions. ClinVar contains an entry for this variant (Variation ID: 639957). Algorithms developed to predict the effect of sequence changes on RNA splicing suggest that this variant is not likely to affect RNA splicing. In summary, the available evidence is currently insufficient to determine the role of this variant in disease. Therefore, it has been classified as a Variant of Uncertain Significance.

PreventionGenetics, part of Exact Sciences
Classification: Likely benign for LRBA-related condition. Last evaluated: 2023-10-31. Review status: no assertion criteria provided. Collection method: clinical testing. Allele origin: germline. Not counted in ClinVar's aggregate classification.
Comment: This variant is classified as likely benign based on ACMG/AMP sequence variant interpretation guidelines (Richards et al. 2015 PMID: 25741868, with internal and published modifications).